The following is an entry in ClinVar:

ClinVar aggregate classification (germline): Uncertain significance (1 of 4 stars; one submission).

gnomAD v4.1: 8 of 1,614,130 alleles (0.0005%); highest among the groups gnomAD compares: Non-Finnish European, 0.00068%; no homozygotes.

Submission:

Labcorp Genetics (formerly Invitae), Labcorp
Classification: Uncertain significance. Last evaluated: 2024-08-21. Review status: criteria provided, single submitter. Criteria: Invitae Variant Classification Sherloc (09022015). Collection method: clinical testing. Allele origin: germline.
Comment: This sequence change replaces leucine, which is neutral and non-polar, with proline, which is neutral and non-polar, at codon 86 of the GUCA1B protein (p.Leu86Pro). This variant is not present in population databases (gnomAD no frequency). This variant has not been reported in the literature in individuals affected with GUCA1B-related conditions. An algorithm developed to predict the effect of missense changes on protein structure and function (PolyPhen-2) suggests that this variant is likely to be disruptive. In summary, the available evidence is currently insufficient to determine the role of this variant in disease. Therefore, it has been classified as a Variant of Uncertain Significance.

NM_002098.6(GUCA1B):c.257T>C (p.Leu86Pro)

Gene: GUCA1B (guanylate cyclase activator 1B; minus strand). Cytogenetic location: 6p21.1.
Variant type: single nucleotide variant.
Coding change: c.257T>C on transcript NM_002098.6 (MANE Select); coding-DNA position 257, T replaced by C.
Protein change: p.Leu86Pro; replaces leucine 86 with proline.
Molecular consequence: missense variant.
Genome position (GRCh38, 1-based): chr6:42,188,682, A>G on the plus strand (T>C on the coding strand, the complement: GUCA1B is on the minus strand). VCF-style: chr6-42188682-A-G. GRCh37 (hg19) VCF-style: chr6-42156420-A-G.
Other names: short protein forms L86P.
Identifiers: ClinVar variation 3614409 (VCV003614409.2).
Genomic context (GRCh38, chr6:42,188,682, plus strand): 5'-TTGCCATCCTTATCATAGATCTTGAATGTCCACTTCAGCTTGTGCTCCAGGGTGCCCCTC[A>G]GCACGAGATTCAGAGCTGCCACGTACTCCAGGAAGTCGATGGTGTTGTCCTGCATTAGAT-3'
Protein context (NP_002089.4, residues 76-96): LEYVAALNLV[Leu86Pro]RGTLEHKLKW